The following is an entry in ClinVar:

NM_005120.3(MED12):c.3728C>T (p.Thr1243Ile)

Gene: MED12 (mediator complex subunit 12; plus strand). Cytogenetic location: Xq13.1.
Variant type: single nucleotide variant.
Coding change: c.3728C>T on transcript NM_005120.3 (MANE Select); coding-DNA position 3728, C replaced by T.
Protein change: p.Thr1243Ile; replaces threonine 1243 with isoleucine.
Molecular consequence: missense variant.
Genome position (GRCh38, 1-based): chrX:71,129,716, C>T. VCF-style: chrX-71129716-C-T. GRCh37 (hg19) VCF-style: chrX-70349566-C-T.
Other names: short protein forms T1243I.
Identifiers: ClinVar variation 2190532 (VCV002190532.4), dbSNP rs2519693640, ClinGen allele CA413522101.
Genomic context (GRCh38, chrX:71,129,716, plus strand): 5'-CTATCTCCCACCCGTGAACCACAGGGGATGCGGAACTGAAAGGTTCAGGCTTCACTGTGA[C>T]AGGAGGAACAGAAGAACTTCCAGAGGAGGAGGGAGGAGGTGGCAGTGGTGGTCGGAGGCA-3'
Protein context (NP_005111.2, residues 1233-1253): AELKGSGFTV[Thr1243Ile]GGTEELPEEE

ClinVar aggregate classification (germline): Uncertain significance (1 of 4 stars; one submission).

Conditions:
FG syndrome (FGS). Identifiers: MedGen C0220769, MONDO:0002010.

Submission:

Labcorp Genetics (formerly Invitae), Labcorp
Classification: Uncertain significance for FG syndrome. Last evaluated: 2023-11-13. Review status: criteria provided, single submitter. Criteria: Invitae Variant Classification Sherloc (09022015). Collection method: clinical testing. Allele origin: germline.
Comment: This sequence change replaces threonine, which is neutral and polar, with isoleucine, which is neutral and non-polar, at codon 1243 of the MED12 protein (p.Thr1243Ile). This variant is not present in population databases (gnomAD no frequency). This variant has not been reported in the literature in individuals affected with MED12-related conditions. ClinVar contains an entry for this variant (Variation ID: 2190532). Advanced modeling of protein sequence and biophysical properties (such as structural, functional, and spatial information, amino acid conservation, physicochemical variation, residue mobility, and thermodynamic stability) performed at Invitae indicates that this missense variant is not expected to disrupt MED12 protein function with a negative predictive value of 95%. In summary, the available evidence is currently insufficient to determine the role of this variant in disease. Therefore, it has been classified as a Variant of Uncertain Significance.